The following is an entry in ClinVar:

ClinVar aggregate classification (germline): Uncertain significance (1 of 4 stars; one submission).

Allele frequency attached by ClinVar (database versions not stated): TOPMed below 0.00001.
gnomAD v4.1: 12 of 1,614,012 alleles (0.00074%); highest among the groups gnomAD compares: Non-Finnish European, 0.001%; no homozygotes.

Submission:

Labcorp Genetics (formerly Invitae), Labcorp
Classification: Uncertain significance. Last evaluated: 2023-08-16. Review status: criteria provided, single submitter. Criteria: Invitae Variant Classification Sherloc (09022015). Collection method: clinical testing. Allele origin: germline.
Comment: This variant has not been reported in the literature in individuals affected with ADGRA3-related conditions. This variant is not present in population databases (gnomAD no frequency). This sequence change replaces serine, which is neutral and polar, with cysteine, which is neutral and slightly polar, at codon 1096 of the ADGRA3 protein (p.Ser1096Cys). ClinVar contains an entry for this variant (Variation ID: 1022462). In summary, the available evidence is currently insufficient to determine the role of this variant in disease. Therefore, it has been classified as a Variant of Uncertain Significance. An algorithm developed to predict the effect of missense changes on protein structure and function (PolyPhen-2) suggests that this variant is likely to be disruptive.

NM_145290.4(ADGRA3):c.3287C>G (p.Ser1096Cys)

Gene: ADGRA3 (adhesion G protein-coupled receptor A3; minus strand). Cytogenetic location: 4p15.2.
Variant type: single nucleotide variant.
Coding change: c.3287C>G on transcript NM_145290.4 (MANE Select); coding-DNA position 3287, C replaced by G.
Protein change: p.Ser1096Cys; replaces serine 1096 with cysteine.
Molecular consequence: missense variant.
Genome position (GRCh38, 1-based): chr4:22,388,384, G>C on the plus strand (C>G on the coding strand, the complement: ADGRA3 is on the minus strand). VCF-style: chr4-22388384-G-C. GRCh37 (hg19) VCF-style: chr4-22390007-G-C.
Other names: short protein forms S1096C.
Identifiers: ClinVar variation 1022462 (VCV001022462.8), dbSNP rs1713940449, ClinGen allele CA356473241.